The following is an entry in ClinVar:

NM_001184785.2(PARD3):c.2801C>T (p.Ala934Val)

Gene: PARD3 (par-3 family cell polarity regulator; minus strand). Cytogenetic location: 10p11.21.
Variant type: single nucleotide variant.
Coding change: c.2801C>T on transcript NM_001184785.2 (MANE Select); coding-DNA position 2801, C replaced by T.
Protein change: p.Ala934Val; replaces alanine 934 with valine.
Molecular consequence: missense variant.
Genome position (GRCh38, 1-based): chr10:34,331,149, G>A on the plus strand (C>T on the coding strand, the complement: PARD3 is on the minus strand). VCF-style: chr10-34331149-G-A. GRCh37 (hg19) VCF-style: chr10-34620077-G-A.
Other names: c.2762C>T, p.Ala921Val (NM_001184786.2); c.2810C>T, p.Ala937Val (NM_001184787.2, NM_019619.4); c.2672C>T, p.Ala891Val (NM_001184788.2, NM_001184789.2, NM_001184794.2); c.2540C>T, p.Ala847Val (NM_001184790.2); c.2585C>T, p.Ala862Val (NM_001184791.2); c.2801C>T, p.Ala934Val (NM_001184792.2); c.2708C>T, p.Ala903Val (NM_001184793.2); short protein forms A847V, A862V, A903V, A921V, A934V, A891V, A937V.
Identifiers: ClinVar variation 778036 (VCV000778036.7), dbSNP rs16935326, ClinGen allele CA5467501.
Genomic context (GRCh38, chr10:34,331,149, plus strand): 5'-ATTATTCTTTCAGCCATTATAAACTTACAGGTCTCCATGCCTTCATCATCATCATCTACC[G>A]CGGGTTTATCATAAGATTTGTCGATGGCAGCTCTGAAGCTCTCATTGCATCCCCTGCCTC-3'
Protein context (NP_001171714.1, residues 924-944): AAIDKSYDKP[Ala934Val]VDDDDEGMET

ClinVar aggregate classification (germline): Benign. Review status: criteria provided, multiple submitters, no conflicts (2 of 4 stars). 3 submissions from 3 submitters: Benign (2). 1 of the submissions does not count toward it. Last evaluated 2019-12-31.

Conditions:
PARD3-related disorder. Also called: PARD3-related condition.

Allele frequency attached by ClinVar (database versions not stated): gnomAD exomes 0.00189 and 0.00332; ExAC 0.00313; 1000 Genomes Project 0.00399; gnomAD 0.00441 and 0.00473; TOPMed 0.00475; 1000 Genomes Project 30x 0.00500; ESP Exome Variant Server 0.00515.
gnomAD v4.1: 3,542 of 1,613,612 alleles (0.22%); highest among the groups gnomAD compares: Middle Eastern, 1%; 14 homozygotes.

Submissions (3):

Labcorp Genetics (formerly Invitae), Labcorp
Classification: Benign. Last evaluated: 2019-12-31. Review status: criteria provided, single submitter. Criteria: Invitae Variant Classification Sherloc (09022015). Collection method: clinical testing. Allele origin: germline.

Breakthrough Genomics
Classification: Benign. Review status: criteria provided, single submitter. Criteria: ACMG Guidelines, 2015. Collection method: not provided. Allele origin: germline. Inheritance: Unknown mechanism. Affected: yes.

PreventionGenetics, part of Exact Sciences
Classification: Benign for PARD3-related condition. Last evaluated: 2019-02-19. Review status: no assertion criteria provided. Collection method: clinical testing. Allele origin: germline. Not counted in ClinVar's aggregate classification.
Comment: This variant is classified as benign based on ACMG/AMP sequence variant interpretation guidelines (Richards et al. 2015 PMID: 25741868, with internal and published modifications).